The following is an entry in ClinVar:

NM_001004334.4(GPR179):c.4622C>T (p.Thr1541Met)

Gene: GPR179 (G protein-coupled receptor 179; minus strand). Cytogenetic location: 17q12.
Variant type: single nucleotide variant.
Coding change: c.4622C>T on transcript NM_001004334.4 (MANE Select); coding-DNA position 4622, C replaced by T.
Protein change: p.Thr1541Met; replaces threonine 1541 with methionine.
Molecular consequence: missense variant.
Genome position (GRCh38, 1-based): chr17:38,328,947, G>A on the plus strand (C>T on the coding strand, the complement: GPR179 is on the minus strand). VCF-style: chr17-38328947-G-A. GRCh37 (hg19) VCF-style: chr17-36484830-G-A.
Other names: short protein forms T1541M.
Identifiers: ClinVar variation 1520304 (VCV001520304.7), dbSNP rs376459437, ClinGen allele CA290104028.
Genomic context (GRCh38, chr17:38,328,947, plus strand): 5'-AATTGGCTACCAGCTTTGGATGAGGAATTGTCTAGACATGGGCTGGAGTGCCCAGGGACC[G>A]TGCTCTCCCTGGGACAAACTGACTCCTGCTGTTGACTTAATTTCTGCACTGCTTTCACAG-3'
Protein context (NP_001004334.3, residues 1531-1551): QQESVCPRES[Thr1541Met]VPGHSSPCLD

ClinVar aggregate classification (germline): Uncertain significance. Review status: criteria provided, multiple submitters, no conflicts (2 of 4 stars). 2 submissions from 2 submitters: Uncertain significance (2). Last evaluated 2023-10-13.

Allele frequency attached by ClinVar (database versions not stated): gnomAD exomes 0.00001 and 0.00002; ExAC 0.00002; gnomAD 0.00003 and 0.00004; TOPMed 0.00005; ESP Exome Variant Server 0.00008.
gnomAD v4.1: 19 of 1,614,024 alleles (0.0012%); highest among the groups gnomAD compares: East Asian, 0.013%; no homozygotes.

Submissions (2):

Labcorp Genetics (formerly Invitae), Labcorp
Classification: Uncertain significance. Last evaluated: 2023-10-13. Review status: criteria provided, single submitter. Criteria: Invitae Variant Classification Sherloc (09022015). Collection method: clinical testing. Allele origin: germline.
Comment: This sequence change replaces threonine, which is neutral and polar, with methionine, which is neutral and non-polar, at codon 1541 of the GPR179 protein (p.Thr1541Met). This variant is present in population databases (rs376459437, gnomAD 0.01%). This variant has not been reported in the literature in individuals affected with GPR179-related conditions. ClinVar contains an entry for this variant (Variation ID: 1520304). An algorithm developed to predict the effect of missense changes on protein structure and function (PolyPhen-2) suggests that this variant is likely to be disruptive. In summary, the available evidence is currently insufficient to determine the role of this variant in disease. Therefore, it has been classified as a Variant of Uncertain Significance.

Blueprint Genetics
Classification: Uncertain significance. Last evaluated: 2023-09-21. Review status: criteria provided, single submitter. Criteria: ACMG Guidelines, 2015. Collection method: clinical testing. Allele origin: germline.